The following is an entry in ClinVar:

ClinVar aggregate classification (germline): Uncertain significance (1 of 4 stars; one submission).

Conditions:
Inborn genetic diseases. Identifiers: MedGen C0950123, MeSH D030342.

Submission:

Ambry Genetics
Classification: Uncertain significance for Inborn genetic diseases. Last evaluated: 2024-09-09. Review status: criteria provided, single submitter. Criteria: Ambry Variant Classification Scheme 2023. Collection method: clinical testing. Allele origin: germline.
Comment: The p.A50T variant (also known as c.148G>A), located in coding exon 2 of the BUB1B gene, results from a G to A substitution at nucleotide position 148. The alanine at codon 50 is replaced by threonine, an amino acid with similar properties. This amino acid position is conserved. In addition, this alteration is predicted to be tolerated by in silico analysis. Based on the available evidence, the clinical significance of this variant remains unclear.

NM_001211.6(BUB1B):c.148G>A (p.Ala50Thr)

Gene: BUB1B (BUB1 mitotic checkpoint serine/threonine kinase B; plus strand). Cytogenetic location: 15q15.1.
Variant type: single nucleotide variant.
Coding change: c.148G>A on transcript NM_001211.6 (MANE Select); coding-DNA position 148, G replaced by A.
Protein change: p.Ala50Thr; replaces alanine 50 with threonine.
Molecular consequence: missense variant.
Genome position (GRCh38, 1-based): chr15:40,165,165, G>A. VCF-style: chr15-40165165-G-A. GRCh37 (hg19) VCF-style: chr15-40457366-G-A.
Other names: short protein forms A50T.
Identifiers: ClinVar variation 3483118 (VCV003483118.1).